The following is an entry in ClinVar:

ClinVar aggregate classification (germline): Uncertain significance. Review status: criteria provided, multiple submitters, no conflicts (2 of 4 stars). 3 submissions from 3 submitters: Uncertain significance (3). Last evaluated 2025-03-23.

Conditions:
Cardiovascular phenotype. Identifiers: MedGen CN230736.
Catecholaminergic polymorphic ventricular tachycardia 1. Also called: VENTRICULAR TACHYCARDIA, CATECHOLAMINERGIC POLYMORPHIC, 1, WITH OR WITHOUT ATRIAL DYSFUNCTION AND/OR DILATED CARDIOMYOPATHY; RYR2-Related Catecholaminergic Polymorphic Ventricular Tachycardia; VENTRICULAR TACHYCARDIA, STRESS-INDUCED POLYMORPHIC 1. Identifiers: Orphanet 3286, MedGen C1631597, MONDO:0011484, OMIM 604772.
Catecholaminergic polymorphic ventricular tachycardia 2. Also called: CASQ2-Related Catecholaminergic Polymorphic Ventricular Tachycardia; VENTRICULAR TACHYCARDIA, STRESS-INDUCED POLYMORPHIC 2. Identifiers: Orphanet 3286, MedGen C2677794, MONDO:0012762, OMIM 611938.

Allele frequency attached by ClinVar (database versions not stated): gnomAD exomes below 0.00001; ExAC 0.00001.
gnomAD v4.1: 1 of 1,609,608 alleles (0.000062%); highest among the groups gnomAD compares: Non-Finnish European, 0.000085%; no homozygotes.

Submissions (3):

Ambry Genetics
Classification: Uncertain significance for Cardiovascular phenotype. Last evaluated: 2025-03-23. Review status: criteria provided, single submitter. Criteria: Ambry Variant Classification Scheme 2023. Collection method: clinical testing. Allele origin: germline.
Comment: The p.F311L variant (also known as c.933T>A), located in coding exon 9 of the CASQ2 gene, results from a T to A substitution at nucleotide position 933. The phenylalanine at codon 311 is replaced by leucine, an amino acid with highly similar properties. This amino acid position is conserved. In addition, this alteration is predicted to be deleterious by in silico analysis. Since supporting evidence is limited at this time, the clinical significance of this alteration remains unclear.

Genome-Nilou Lab
Classification: Uncertain significance for Catecholaminergic polymorphic ventricular tachycardia 2. Last evaluated: 2023-04-11. Review status: criteria provided, single submitter. Criteria: ACMG Guidelines, 2015. Collection method: clinical testing. Allele origin: germline. Affected: no.

Labcorp Genetics (formerly Invitae), Labcorp
Classification: Uncertain significance for Catecholaminergic polymorphic ventricular tachycardia 1. Last evaluated: 2021-09-02. Review status: criteria provided, single submitter. Criteria: Invitae Variant Classification Sherloc (09022015). Collection method: clinical testing. Allele origin: germline.
Comment: This sequence change replaces phenylalanine with leucine at codon 311 of the CASQ2 protein (p.Phe311Leu). The phenylalanine residue is highly conserved and there is a small physicochemical difference between phenylalanine and leucine. This variant is present in population databases (rs769960615, ExAC 0.001%). This variant has not been reported in the literature in individuals affected with CASQ2-related conditions. Algorithms developed to predict the effect of missense changes on protein structure and function are either unavailable or do not agree on the potential impact of this missense change (SIFT: "Deleterious"; PolyPhen-2: "Possibly Damaging"; Align-GVGD: "Class C0"). In summary, the available evidence is currently insufficient to determine the role of this variant in disease. Therefore, it has been classified as a Variant of Uncertain Significance.

NM_001232.4(CASQ2):c.933T>A (p.Phe311Leu)

Gene: CASQ2 (calsequestrin 2; minus strand). Cytogenetic location: 1p13.1.
Variant type: single nucleotide variant.
Coding change: c.933T>A on transcript NM_001232.4 (MANE Select); coding-DNA position 933, T replaced by A.
Protein change: p.Phe311Leu; replaces phenylalanine 311 with leucine.
Molecular consequence: missense variant.
Genome position (GRCh38, 1-based): chr1:115,705,198, A>T on the plus strand (T>A on the coding strand, the complement: CASQ2 is on the minus strand). VCF-style: chr1-115705198-A-T. GRCh37 (hg19) VCF-style: chr1-116247819-A-T.
Other names: short protein forms F311L.
Identifiers: ClinVar variation 964529 (VCV000964529.11), dbSNP rs769960615, ClinGen allele CA1023690.